The following is an entry in ClinVar:

ClinVar aggregate classification (germline): Likely benign (1 of 4 stars; one submission).

Allele frequency attached by ClinVar (database versions not stated): gnomAD 0.00070; TOPMed 0.00073; gnomAD exomes 0.00120.
gnomAD v4.1: 1,339 of 1,161,223 alleles (0.12%); highest among the groups gnomAD compares: Middle Eastern, 0.19%; 2 homozygotes.

Submission:

CeGaT Center for Human Genetics Tuebingen
Classification: Likely benign. Last evaluated: 2024-05-01. Review status: criteria provided, single submitter. Criteria: CeGaT Center For Human Genetics Tuebingen Variant Classification Criteria Version 2. Collection method: clinical testing. Allele origin: germline. Affected: yes. Observed: 3 variant alleles.
Comment: FRMPD4: BP4, BS2

NM_001368397.1(FRMPD4):c.4080A>G (p.Pro1360=)

Gene: FRMPD4 (FERM and PDZ domain containing 4; plus strand). Cytogenetic location: Xp22.2.
Variant type: single nucleotide variant.
Coding change: c.4080A>G on transcript NM_001368397.1 (MANE Select); coding-DNA position 4080, A replaced by G.
Protein change: p.Pro1360=; no amino-acid change (proline 1360 retained).
Molecular consequence: synonymous variant. On other transcripts: 3 prime UTR variant (6).
Genome position (GRCh38, 1-based): chrX:12,720,649, A>G. VCF-style: chrX-12720649-A-G. GRCh37 (hg19) VCF-style: chrX-12738768-A-G.
Other names: c.4191A>G, p.Pro1397= (NM_001368395.3); c.4086A>G, p.Pro1362= (NM_001368396.3); c.*116A>G (NM_001368401.1, NM_001368402.3, NM_014728.3 and 3 more transcripts).
Identifiers: ClinVar variation 2660014 (VCV002660014.24), dbSNP rs200639149, ClinGen allele CA15044373.